The following is an entry in ClinVar:

NM_000094.4(COL7A1):c.542A>G (p.Glu181Gly)

Gene: COL7A1 (collagen type VII alpha 1 chain; minus strand). Cytogenetic location: 3p21.31.
Variant type: single nucleotide variant.
Coding change: c.542A>G on transcript NM_000094.4 (MANE Select); coding-DNA position 542, A replaced by G.
Protein change: p.Glu181Gly; replaces glutamic acid 181 with glycine.
Molecular consequence: missense variant.
Genome position (GRCh38, 1-based): chr3:48,593,242, T>C on the plus strand (A>G on the coding strand, the complement: COL7A1 is on the minus strand). VCF-style: chr3-48593242-T-C. GRCh37 (hg19) VCF-style: chr3-48630675-T-C.
Other names: short protein forms E181G.
Identifiers: ClinVar variation 1920058 (VCV001920058.5), dbSNP rs375442528, ClinGen allele CA2381513.
Genomic context (GRCh38, chr3:48,593,242, plus strand): 5'-AAGTCATTGACGAAGAAGAAGAAGTCACTGGTGGGCTGTGAGGCAACTCGCTTCAGCTCC[T>C]CAGGGTCAGCATTCTTGATCCCTGAAGTGACGACCCATCAGGACTCAGTCACCCACATGC-3'
Protein context (NP_000085.1, residues 171-191): FAVGIKNADP[Glu181Gly]ELKRVASQPT

ClinVar aggregate classification (germline): Uncertain significance (1 of 4 stars; one submission).

Allele frequency attached by ClinVar (database versions not stated): ExAC 0.00001; ESP Exome Variant Server 0.00008.
gnomAD v4.1: 17 of 1,614,108 alleles (0.0011%); highest among the groups gnomAD compares: East Asian, 0.0067%; no homozygotes.

Submission:

Labcorp Genetics (formerly Invitae), Labcorp
Classification: Uncertain significance. Last evaluated: 2025-10-14. Review status: criteria provided, single submitter. Criteria: Invitae Variant Classification Sherloc (09022015). Collection method: clinical testing. Allele origin: germline.
Comment: This sequence change replaces glutamic acid, which is acidic and polar, with glycine, which is neutral and non-polar, at codon 181 of the COL7A1 protein (p.Glu181Gly). This variant is present in population databases (rs375442528, gnomAD 0.0009%). This variant has not been reported in the literature in individuals affected with COL7A1-related conditions. ClinVar contains an entry for this variant (Variation ID: 1920058). Invitae Evidence Modeling of protein sequence and biophysical properties (such as structural, functional, and spatial information, amino acid conservation, physicochemical variation, residue mobility, and thermodynamic stability) indicates that this missense variant is not expected to disrupt COL7A1 protein function with a negative predictive value of 95%. In summary, the available evidence is currently insufficient to determine the role of this variant in disease. Therefore, it has been classified as a Variant of Uncertain Significance.